The following is an entry in ClinVar:

ClinVar aggregate classification (germline): Likely benign. Review status: criteria provided, multiple submitters, no conflicts (2 of 4 stars). 6 submissions from 6 submitters: Likely benign (5). 1 of the submissions does not count toward it. Last evaluated 2026-01-05.

Conditions:
Cystic fibrosis (CF). Also called: MUCOVISCIDOSIS. Identifiers: Orphanet 586, MedGen C0010674, MONDO:0009061, OMIM 219700. Disease mechanism: loss of function.

Allele frequency attached by ClinVar (database versions not stated): gnomAD exomes 0.00002 and 0.00004; gnomAD 0.00010 and 0.00012; TOPMed 0.00012; ExAC 0.00005; ESP Exome Variant Server 0.00015.
gnomAD v4.1: 48 of 1,613,856 alleles (0.003%); highest among the groups gnomAD compares: African/African-American, 0.023%; no homozygotes.

Submissions (6):

Labcorp Genetics (formerly Invitae), Labcorp
Classification: Likely benign for Cystic fibrosis. Last evaluated: 2026-01-05. Review status: criteria provided, single submitter. Criteria: Invitae Variant Classification Sherloc (09022015). Collection method: clinical testing. Allele origin: germline.

Johns Hopkins Genomics, Johns Hopkins University
Classification: Likely benign for Cystic fibrosis. Last evaluated: 2024-07-12. Review status: criteria provided, single submitter. Criteria: ACMG Guidelines, 2015. Collection method: clinical testing. Allele origin: germline.
Comment: PM2, PM3, BP4, BP7

Women's Health and Genetics/Laboratory Corporation of America, LabCorp
Classification: Likely benign. Last evaluated: 2020-08-20. Review status: criteria provided, single submitter. Criteria: LabCorp Variant Classification Summary - May 2015. Collection method: clinical testing. Allele origin: germline.

Ambry Genetics
Classification: Likely benign for Cystic fibrosis. Last evaluated: 2020-02-28. Review status: criteria provided, single submitter. Criteria: Ambry Variant Classification Scheme 2023. Collection method: clinical testing. Allele origin: germline.

ARUP Laboratories, Molecular Genetics and Genomics, ARUP Laboratories
Classification: Likely benign. Last evaluated: 2019-02-14. Review status: criteria provided, single submitter. Criteria: ARUP Molecular Germline Variant Investigation Process. Collection method: clinical testing. Allele origin: germline.

Natera, Inc.
Classification: Uncertain significance for Cystic Fibrosis. Last evaluated: 2018-05-02. Review status: no assertion criteria provided. Collection method: clinical testing. Allele origin: germline. Not counted in ClinVar's aggregate classification.

NM_000492.4(CFTR):c.4092G>A (p.Ala1364=)

Gene: CFTR (CF transmembrane conductance regulator; plus strand). Cytogenetic location: 7q31.2.
Variant type: single nucleotide variant.
Coding change: c.4092G>A on transcript NM_000492.4 (MANE Select); coding-DNA position 4092, G replaced by A.
Protein change: p.Ala1364=; no amino-acid change (alanine 1364 retained).
Molecular consequence: synonymous variant.
Genome position (GRCh38, 1-based): chr7:117,664,816, G>A. VCF-style: chr7-117664816-G-A. GRCh37 (hg19) VCF-style: chr7-117304870-G-A.
Identifiers: ClinVar variation 35883 (VCV000035883.23), dbSNP rs148878126, ClinGen allele CA260250.